The following is an entry in ClinVar:

ClinVar aggregate classification (germline): Uncertain significance. Review status: criteria provided, multiple submitters, no conflicts (2 of 4 stars). 2 submissions from 2 submitters: Uncertain significance (2). Last evaluated 2025-04-02.

Conditions:
Autosomal dominant Robinow syndrome 1. Also called: WNT5A-Related Robinow Syndrome, Autosomal Dominant; ACRAL DYSOSTOSIS WITH FACIAL AND GENITAL ABNORMALITIES; FETAL FACE SYNDROME; ROBINOW DWARFISM; Covesdem syndrome (formerly); Costovertebral segmentation defect with mesomelia (formerly). Identifiers: Orphanet 3107, Orphanet 97360, MedGen C4551475, MONDO:0024455, OMIM 180700.

Allele frequency attached by ClinVar (database versions not stated): gnomAD exomes 0.00001.
gnomAD v4.1: 10 of 1,613,954 alleles (0.00062%); highest among the groups gnomAD compares: Middle Eastern, 0.017%; no homozygotes.

Submissions (2):

Labcorp Genetics (formerly Invitae), Labcorp
Classification: Uncertain significance. Last evaluated: 2025-04-02. Review status: criteria provided, single submitter. Criteria: Invitae Variant Classification Sherloc (09022015). Collection method: clinical testing. Allele origin: germline.
Comment: This sequence change replaces alanine, which is neutral and non-polar, with valine, which is neutral and non-polar, at codon 97 of the WNT5A protein (p.Ala97Val). This variant is not present in population databases (gnomAD no frequency). This variant has not been reported in the literature in individuals affected with WNT5A-related conditions. ClinVar contains an entry for this variant (Variation ID: 1413528). Invitae Evidence Modeling of protein sequence and biophysical properties (such as structural, functional, and spatial information, amino acid conservation, physicochemical variation, residue mobility, and thermodynamic stability) indicates that this missense variant is not expected to disrupt WNT5A protein function with a negative predictive value of 80%. In summary, the available evidence is currently insufficient to determine the role of this variant in disease. Therefore, it has been classified as a Variant of Uncertain Significance.

Fulgent Genetics
Classification: Uncertain significance for Autosomal dominant Robinow syndrome 1. Last evaluated: 2022-04-14. Review status: criteria provided, single submitter. Criteria: ACMG Guidelines, 2015. Collection method: clinical testing. Allele origin: unknown.

NM_003392.7(WNT5A):c.290C>T (p.Ala97Val)

Gene: WNT5A (Wnt family member 5A; minus strand). Cytogenetic location: 3p14.3.
Variant type: single nucleotide variant.
Coding change: c.290C>T on transcript NM_003392.7 (MANE Select); coding-DNA position 290, C replaced by T.
Protein change: p.Ala97Val; replaces alanine 97 with valine.
Molecular consequence: missense variant.
Genome position (GRCh38, 1-based): chr3:55,479,415, G>A on the plus strand (C>T on the coding strand, the complement: WNT5A is on the minus strand). VCF-style: chr3-55479415-G-A. GRCh37 (hg19) VCF-style: chr3-55513443-G-A.
Other names: c.245C>T, p.Ala82Val (NM_001256105.1, NM_001377271.1, NM_001377272.1); short protein forms A82V, A97V.
Identifiers: ClinVar variation 1413528 (VCV001413528.9), dbSNP rs2051414784, ClinGen allele CA353267138.